The following is an entry in ClinVar:

ClinVar aggregate classification (germline): Uncertain significance. Review status: criteria provided, multiple submitters, no conflicts (2 of 4 stars). 2 submissions from 2 submitters: Uncertain significance (2). Last evaluated 2025-08-06.

Conditions:
Inborn genetic diseases. Identifiers: MedGen C0950123, MeSH D030342.
Charcot-Marie-Tooth disease type 4. Also called: Charcot-Marie-Tooth, Type 4; Charcot-Marie-Tooth disease, type IV. Identifiers: Orphanet 64749, MedGen C4082197, MONDO:0018995.

Submissions (2):

Ambry Genetics
Classification: Uncertain significance for Inborn genetic diseases. Last evaluated: 2025-08-06. Review status: criteria provided, single submitter. Criteria: Ambry Variant Classification Scheme 2023. Collection method: clinical testing. Allele origin: germline.

Labcorp Genetics (formerly Invitae), Labcorp
Classification: Uncertain significance for Charcot-Marie-Tooth disease type 4. Last evaluated: 2024-09-26. Review status: criteria provided, single submitter. Criteria: Invitae Variant Classification Sherloc (09022015). Collection method: clinical testing. Allele origin: germline.
Comment: This sequence change replaces arginine, which is basic and polar, with isoleucine, which is neutral and non-polar, at codon 43 of the FIG4 protein (p.Arg43Ile). This variant is not present in population databases (gnomAD no frequency). This variant has not been reported in the literature in individuals affected with FIG4-related conditions. An algorithm developed to predict the effect of missense changes on protein structure and function (PolyPhen-2) suggests that this variant is likely to be disruptive. In summary, the available evidence is currently insufficient to determine the role of this variant in disease. Therefore, it has been classified as a Variant of Uncertain Significance.

NM_014845.6(FIG4):c.128G>T (p.Arg43Ile)

Gene: FIG4 (FIG4 phosphoinositide 5-phosphatase; plus strand). Cytogenetic location: 6q21.
Variant type: single nucleotide variant.
Coding change: c.128G>T on transcript NM_014845.6 (MANE Select); coding-DNA position 128, G replaced by T.
Protein change: p.Arg43Ile; replaces arginine 43 with isoleucine.
Molecular consequence: missense variant.
Genome position (GRCh38, 1-based): chr6:109,715,139, G>T. VCF-style: chr6-109715139-G-T. GRCh37 (hg19) VCF-style: chr6-110036342-G-T.
Other names: short protein forms R43I.
Identifiers: ClinVar variation 3603619 (VCV003603619.3).
Genomic context (GRCh38, chr6:109,715,139, plus strand): 5'-GATACTTTCTAGTTGGGAGCAATAATGCAGAAACGAAATATCGTGTCTTGAAGATTGATA[G>T]AACAGAACCAAAAGATTTGGTCATAATTGATGACAGGGTAAGTATCCTCCAAACCTGACT-3'
Protein context (NP_055660.1, residues 33-53): ETKYRVLKID[Arg43Ile]TEPKDLVIID